The following is an entry in ClinVar:

NM_001267550.2(TTN):c.41932G>A (p.Glu13978Lys)

Gene: TTN (titin; minus strand). Cytogenetic location: 2q31.2.
Variant type: single nucleotide variant.
Coding change: c.41932G>A on transcript NM_001267550.2 (MANE Select); coding-DNA position 41932, G replaced by A.
Protein change: p.Glu13978Lys; replaces glutamic acid 13978 with lysine.
Molecular consequence: missense variant.
Genome position (GRCh38, 1-based): chr2:178,635,257, C>T on the plus strand (G>A on the coding strand, the complement: TTN is on the minus strand). VCF-style: chr2-178635257-C-T. GRCh37 (hg19) VCF-style: chr2-179499984-C-T.
Other names: c.37009G>A, p.Glu12337Lys (NM_001256850.1); c.14737G>A, p.Glu4913Lys (NM_003319.4); c.34228G>A, p.Glu11410Lys (NM_133378.4); c.15112G>A, p.Glu5038Lys (NM_133432.3); c.15313G>A, p.Glu5105Lys (NM_133437.4); short protein forms E11410K, E12337K, E13978K, E4913K, E5038K, E5105K.
Identifiers: ClinVar variation 1173041 (VCV001173041.7), dbSNP rs746667196, ClinGen allele CA1996180.
Genomic context (GRCh38, chr2:178,635,257, plus strand): 5'-TCCATTGTCCAGGAATGTCTGCCTCTGAGATTTCTGCATCAAAGCTTGCACTTTCTTTCT[C>T]ATAAATGGTAACGTCCTCTATTGGTTTAAGCAGTTCAACTTCACGCTCTGTATTGGTCAG-3'
Protein context (NP_001254479.2, residues 13968-13988): LKPIEDVTIY[Glu13978Lys]KESASFDAEI

ClinVar aggregate classification (germline): Uncertain significance. Review status: criteria provided, multiple submitters, no conflicts (2 of 4 stars). 5 submissions from 5 submitters: Uncertain significance (5). Last evaluated 2023-08-19.

Conditions:
Myopathy, myofibrillar, 9, with early respiratory failure (MFM9). Also called: EDSTROM MYOPATHY; MYOPATHY, PROXIMAL, WITH EARLY RESPIRATORY MUSCLE INVOLVEMENT; Hereditary myopathy with early respiratory failure; Myopathy, distal, with early respiratory failure, autosomal dominant. Identifiers: Orphanet 178464, Orphanet 34521, MedGen C1863599, MONDO:0011362, OMIM 603689.
Hypertrophic cardiomyopathy 9. Also called: Familial hypertrophic cardiomyopathy 9. Identifiers: MedGen C1861065, MONDO:0013412, OMIM 613765.
Dilated cardiomyopathy 1G (CMD1G). Identifiers: Orphanet 154, MedGen C1858763, MONDO:0011400, OMIM 604145.
Tibial muscular dystrophy (TMD). Also called: Udd Distal Myopathy – Tibial Muscular Dystrophy; UDD MYOPATHY; Tibial muscular dystrophy, tardive. Identifiers: Orphanet 609, MedGen C1838244, MONDO:0010870, OMIM 600334.
Early-onset myopathy with fatal cardiomyopathy (CMYO5). Also called: Salih Myopathy; CONGENITAL MYOPATHY 5 WITH CARDIOMYOPATHY. Identifiers: Orphanet 289377, MedGen C2673677, MONDO:0012714, OMIM 611705. Disease mechanism: loss of function.
Autosomal recessive limb-girdle muscular dystrophy type 2J (LGMDR10). Also called: Limb-girdle muscular dystrophy, type 2J; MUSCULAR DYSTROPHY, LIMB-GIRDLE, AUTOSOMAL RECESSIVE 10. Identifiers: Orphanet 140922, MedGen C1837342, MONDO:0012127, OMIM 608807.

Allele frequency attached by ClinVar (database versions not stated): ExAC 0.00001; gnomAD 0.00002 and 0.00003; gnomAD exomes 0.00002 and 0.00006; TOPMed 0.00002.
gnomAD v4.1: 84 of 1,613,188 alleles (0.0052%); highest among the groups gnomAD compares: Non-Finnish European, 0.0069%; no homozygotes.

Submissions (5):

Women's Health and Genetics/Laboratory Corporation of America, LabCorp
Classification: Uncertain significance. Last evaluated: 2023-08-19. Review status: criteria provided, single submitter. Criteria: LabCorp Variant Classification Summary - May 2015. Collection method: clinical testing. Allele origin: germline.

Clinical Genetics Laboratory, Skane University Hospital Lund
Classification: Uncertain significance. Last evaluated: 2023-01-25. Review status: criteria provided, single submitter. Criteria: ACMG Guidelines, 2015. Collection method: clinical testing. Allele origin: germline. Affected: yes.

Fulgent Genetics
Classification: Uncertain significance for Tibial muscular dystrophy; Myopathy, myofibrillar, 9, with early respiratory failure; Dilated cardiomyopathy 1G; Autosomal recessive limb-girdle muscular dystrophy type 2J; Early-onset myopathy with fatal cardiomyopathy; Hypertrophic cardiomyopathy 9. Last evaluated: 2021-08-12. Review status: criteria provided, single submitter. Criteria: ACMG Guidelines, 2015. Collection method: clinical testing. Allele origin: unknown.

GeneDx
Classification: Uncertain significance. Last evaluated: 2019-07-18. Review status: criteria provided, single submitter. Criteria: GeneDx Variant Classification (06012015). Collection method: clinical testing. Allele origin: germline. Affected: yes.
Comment: Not observed at a significant frequency in large population cohorts (Lek et al., 2016) Missense variant in a gene in which most reported pathogenic variants are truncating/loss-of-function Has not been previously published as pathogenic or benign to our knowledge

Revvity Omics, Revvity
Classification: Uncertain significance. Last evaluated: 2019-06-12. Review status: criteria provided, single submitter. Criteria: ACMG Guidelines, 2015. Collection method: clinical testing. Allele origin: germline.